The following is an entry in ClinVar:

ClinVar aggregate classification (germline): Benign/Likely benign. Review status: criteria provided, multiple submitters, no conflicts (2 of 4 stars). 5 submissions from 5 submitters: Benign (2); Likely benign (2). 1 of the submissions does not count toward it. Last evaluated 2019-03-22.

Conditions:
TJP2-related disorder. Also called: TJP2-related condition.

Allele frequency attached by ClinVar (database versions not stated): ExAC 0.00205; ESP Exome Variant Server 0.00460; gnomAD 0.00512 and 0.00547; TOPMed 0.00537; 1000 Genomes Project 0.00599; 1000 Genomes Project 30x 0.00765.
gnomAD v4.1: 1,552 of 1,537,306 alleles (0.1%); highest among the groups gnomAD compares: African/African-American, 1.9%; 21 homozygotes.

Submissions (5):

Athena Diagnostics
Classification: Benign. Last evaluated: 2019-03-22. Review status: criteria provided, single submitter. Criteria: Athena Diagnostics Criteria. Collection method: clinical testing. Allele origin: germline.

GeneDx
Classification: Likely benign. Last evaluated: 2018-07-31. Review status: criteria provided, single submitter. Criteria: GeneDx Variant Classification Process June 2021. Collection method: clinical testing. Allele origin: germline. Affected: yes.

Laboratory for Molecular Medicine, Mass General Brigham Personalized Medicine
Classification: Benign. Last evaluated: 2013-09-11. Review status: criteria provided, single submitter. Criteria: LMM Criteria. Collection method: clinical testing. Allele origin: germline. Observed: 3 variant alleles.
Comment: Val15Leu in Exon 01D of TJP2: This variant is not expected to have clinical sign ificance because it has been identified in 1.5% (21/1384) of African American ch romosomes from a broad population by the NHLBI Exome Sequencing Project (dbSNP rs73450853).

Breakthrough Genomics
Classification: Likely benign. Review status: criteria provided, single submitter. Criteria: ACMG Guidelines, 2015. Collection method: not provided. Allele origin: germline. Inheritance: Autosomal recessive inheritance. Affected: yes.

PreventionGenetics, part of Exact Sciences
Classification: Benign for TJP2-related condition. Last evaluated: 2019-03-15. Review status: no assertion criteria provided. Collection method: clinical testing. Allele origin: germline. Not counted in ClinVar's aggregate classification.
Comment: This variant is classified as benign based on ACMG/AMP sequence variant interpretation guidelines (Richards et al. 2015 PMID: 25741868, with internal and published modifications).

Literature cited by the submitters: PubMed 29238877 (cited by Athena Diagnostics).

NM_004817.4(TJP2):c.61-7344G>C

Gene: TJP2 (tight junction protein 2; plus strand). Cytogenetic location: 9q21.11.
Variant type: single nucleotide variant.
Coding change: c.61-7344G>C on transcript NM_004817.4 (MANE Select); 7344 bases into the intron before coding-DNA position 61, G replaced by C.
Molecular consequence: intron variant. On other transcripts: missense variant (4).
Genome position (GRCh38, 1-based): chr9:69,205,204, G>C. VCF-style: chr9-69205204-G-C. GRCh37 (hg19) VCF-style: chr9-71820120-G-C.
Other names: c.43G>C, p.Val15Leu (NM_001170415.1, NM_001170416.2, NM_001369874.1 and 1 more transcripts); c.-9-7344G>C (NM_001170414.2, NM_001369870.1, NM_001369871.1); c.61-7344G>C (NM_201629.3, NM_001369872.1, NM_001369873.1); short protein forms V15L.
Identifiers: ClinVar variation 178677 (VCV000178677.12), dbSNP rs73450853, ClinGen allele CA182764.